The following is an entry in ClinVar:

ClinVar aggregate classification (germline): Uncertain significance. Review status: criteria provided, multiple submitters, no conflicts (2 of 4 stars). 2 submissions from 2 submitters: Uncertain significance (2). Last evaluated 2023-04-10.

Conditions:
RYR1-related disorder. Also called: RYR1-related disorders; RYR1-related condition. Identifiers: MedGen CN239331.
Malignant hyperthermia, susceptibility to, 1 (MHS1). Also called: Malignant hyperthermia suceptibility 1; Anesthesia related hyperthermia; Malignant hyperpyrexia; Fulminating hyperpyrexia; Pharmacogenic myopathy; RYR1-Related Malignant Hyperthermia Susceptibility. Identifiers: Orphanet 423, MedGen C2930980, MONDO:0007783, OMIM 145600.

Allele frequency attached by ClinVar (database versions not stated): gnomAD exomes below 0.00001.
gnomAD v4.1: 1 of 1,614,098 alleles (0.000062%); highest among the groups gnomAD compares: Non-Finnish European, 0.000085%; no homozygotes.

Submissions (2):

All of Us Research Program, National Institutes of Health
Classification: Uncertain significance for Malignant hyperthermia, susceptibility to, 1. Last evaluated: 2023-04-10. Review status: criteria provided, single submitter. Criteria: ACMG Guidelines, 2015. Collection method: clinical testing. Allele origin: germline. Inheritance: Autosomal dominant inheritance. Observed: 1 variant allele, 1 heterozygote.
Comment: This missense variant replaces proline with serine at codon 2411 of the RYR1 protein. Computational prediction is inconclusive regarding the impact of this variant on protein structure and function (internally defined REVEL score threshold 0.5 < inconclusive < 0.7, PMID: 27666373). To our knowledge, functional studies have not been reported for this variant. This variant has not been reported in individuals affected with RYR1-related disorders in the literature. This variant has been identified in 1/251356 chromosomes in the general population by the Genome Aggregation Database (gnomAD). The available evidence is insufficient to determine the role of this variant in disease conclusively. Therefore, this variant is classified as a Variant of Uncertain Significance.

This study involves interpretation of variants in research participants for the purpose of population health screening. Participant phenotype was not available at the time of variant classification. Additional details can be found in publication PMID: 35346344, PMCID: PMC8962531

Labcorp Genetics (formerly Invitae), Labcorp
Classification: Uncertain significance for RYR1-related disorder. Last evaluated: 2022-12-04. Review status: criteria provided, single submitter. Criteria: Invitae Variant Classification Sherloc (09022015). Collection method: clinical testing. Allele origin: germline.
Comment: In summary, the available evidence is currently insufficient to determine the role of this variant in disease. Therefore, it has been classified as a Variant of Uncertain Significance. Advanced modeling of protein sequence and biophysical properties (such as structural, functional, and spatial information, amino acid conservation, physicochemical variation, residue mobility, and thermodynamic stability) performed at Invitae indicates that this missense variant is not expected to disrupt RYR1 protein function. This sequence change replaces proline, which is neutral and non-polar, with serine, which is neutral and polar, at codon 2411 of the RYR1 protein (p.Pro2411Ser). This variant is present in population databases (no rsID available, gnomAD 0.0009%). This variant has not been reported in the literature in individuals affected with RYR1-related conditions.

NM_000540.3(RYR1):c.7231C>T (p.Pro2411Ser)

Gene: RYR1 (ryanodine receptor 1; plus strand). Cytogenetic location: 19q13.2.
Variant type: single nucleotide variant.
Coding change: c.7231C>T on transcript NM_000540.3 (MANE Select); coding-DNA position 7231, C replaced by T.
Protein change: p.Pro2411Ser; replaces proline 2411 with serine.
Molecular consequence: missense variant.
Genome position (GRCh38, 1-based): chr19:38,499,924, C>T. VCF-style: chr19-38499924-C-T. GRCh37 (hg19) VCF-style: chr19-38990564-C-T.
Other names: c.7231C>T, p.Pro2411Ser (NM_001042723.2); short protein forms P2411S.
Identifiers: ClinVar variation 2955135 (VCV002955135.4), dbSNP rs1333942098, ClinGen allele CA405669120.